The following is an entry in ClinVar:

ClinVar aggregate classification (germline): Pathogenic. Review status: criteria provided, multiple submitters, no conflicts (2 of 4 stars). 2 submissions from 2 submitters: Pathogenic (2). Last evaluated 2024-05-14.

Conditions:
Primary ciliary dyskinesia. Also called: Ciliary dyskinesia. Identifiers: Orphanet 244, MedGen C0008780, MONDO:0016575, HP:0012265.
Primary ciliary dyskinesia 3. Identifiers: Orphanet 244, MedGen C1837618, MONDO:0012085, OMIM 608644.

Submissions (2):

Myriad Genetics, Inc.
Classification: Pathogenic for Primary ciliary dyskinesia 3. Last evaluated: 2024-05-14. Review status: criteria provided, single submitter. Criteria: Myriad Autosomal Dominant, Autosomal Recessive and X-Linked Classification Criteria (2023). Collection method: clinical testing. Allele origin: unknown.
Comment: NM_001369.2(DNAH5):c.6453T>A(Y2151*) is expected to be pathogenic in the context of primary ciliary dyskinesia, DNAH5-related. This variant is predicted to lead to an abnormal or absent protein product due to the creation of a premature termination codon in DNAH5, a gene where loss-of-function variants are known to be pathogenic. Please note: this variant was assessed in the context of healthy population screening.

Labcorp Genetics (formerly Invitae), Labcorp
Classification: Pathogenic for Primary ciliary dyskinesia. Last evaluated: 2022-06-09. Review status: criteria provided, single submitter. Criteria: Invitae Variant Classification Sherloc (09022015). Collection method: clinical testing. Allele origin: germline.
Comment: For these reasons, this variant has been classified as Pathogenic. This variant has not been reported in the literature in individuals affected with DNAH5-related conditions. This variant is not present in population databases (gnomAD no frequency). This sequence change creates a premature translational stop signal (p.Tyr2151*) in the DNAH5 gene. It is expected to result in an absent or disrupted protein product. Loss-of-function variants in DNAH5 are known to be pathogenic (PMID: 11788826, 16627867).

Literature cited by the submitters: PubMed 11788826 (cited by Labcorp Genetics (formerly Invitae), Labcorp); PubMed 16627867 (cited by Labcorp Genetics (formerly Invitae), Labcorp).

NM_001369.3(DNAH5):c.6453T>A (p.Tyr2151Ter)

Gene: DNAH5 (dynein axonemal heavy chain 5; minus strand). Cytogenetic location: 5p15.2.
Variant type: single nucleotide variant.
Coding change: c.6453T>A on transcript NM_001369.3 (MANE Select); coding-DNA position 6453, T replaced by A.
Protein change: p.Tyr2151Ter; replaces tyrosine 2151 with a stop codon.
Molecular consequence: nonsense.
Genome position (GRCh38, 1-based): chr5:13,824,325, A>T on the plus strand (T>A on the coding strand, the complement: DNAH5 is on the minus strand). VCF-style: chr5-13824325-A-T. GRCh37 (hg19) VCF-style: chr5-13824434-A-T.
Other names: short protein forms Y2151*.
Identifiers: ClinVar variation 1453964 (VCV001453964.7), dbSNP rs2151824052, ClinGen allele CA359198099.